The following is an entry in ClinVar:

NM_012208.4(HARS2):c.1033C>G (p.Pro345Ala)

Gene: HARS2 (histidyl-tRNA synthetase 2, mitochondrial; plus strand). Cytogenetic location: 5q31.3.
Variant type: single nucleotide variant.
Coding change: c.1033C>G on transcript NM_012208.4 (MANE Select); coding-DNA position 1033, C replaced by G.
Protein change: p.Pro345Ala; replaces proline 345 with alanine.
Molecular consequence: missense variant.
Genome position (GRCh38, 1-based): chr5:140,697,242, C>G. VCF-style: chr5-140697242-C-G. GRCh37 (hg19) VCF-style: chr5-140076827-C-G.
Other names: c.958C>G, p.Pro320Ala (NM_001278731.2); c.601C>G, p.Pro201Ala (NM_001278732.2); c.1051C>G, p.Pro351Ala (NM_001363535.2); c.823C>G, p.Pro275Ala (NM_001363536.2); short protein forms P201A, P275A, P351A, P320A, P345A.
Identifiers: ClinVar variation 3730916 (VCV003730916.2).

ClinVar aggregate classification (germline): Uncertain significance (1 of 4 stars; one submission).

gnomAD v4.1: 26 of 1,614,072 alleles (0.0016%); highest among the groups gnomAD compares: Middle Eastern, 0.016%; no homozygotes.

Submission:

GeneDx
Classification: Uncertain significance. Last evaluated: 2025-12-19. Review status: criteria provided, single submitter. Criteria: GeneDx Variant Classification Process June 2021. Collection method: clinical testing. Allele origin: germline.
Comment: Not observed at significant frequency in large population cohorts (gnomAD); In silico analysis suggests that this missense variant does not alter protein structure/function; Has not been previously published as pathogenic or benign to our knowledge